The following is an entry in ClinVar:

NM_000719.7(CACNA1C):c.2965A>G (p.Ser989Gly)

Gene: CACNA1C (calcium voltage-gated channel subunit alpha1 C; plus strand). Cytogenetic location: 12p13.33.
Variant type: single nucleotide variant.
Coding change: c.2965A>G on transcript NM_000719.7 (MANE Select); coding-DNA position 2965, A replaced by G.
Protein change: p.Ser989Gly; replaces serine 989 with glycine.
Molecular consequence: missense variant.
Genome position (GRCh38, 1-based): chr12:2,605,085, A>G. VCF-style: chr12-2605085-A-G. GRCh37 (hg19) VCF-style: chr12-2714251-A-G.
Other names: c.3025A>G, p.Ser1009Gly (NM_001129827.2, NM_001129832.2, NM_199460.4); c.2965A>G, p.Ser989Gly (NM_001129829.2, NM_001129830.3, NM_001129831.2 and 15 more transcripts); c.2956A>G, p.Ser986Gly (NM_001129844.2); short protein forms S1009G, S989G, S986G.
Identifiers: ClinVar variation 456958 (VCV000456958.10), dbSNP rs1555878849, ClinGen allele CA383373518.

ClinVar aggregate classification (germline): Uncertain significance. Review status: criteria provided, multiple submitters, no conflicts (2 of 4 stars). 2 submissions from 2 submitters: Uncertain significance (2). Last evaluated 2023-10-20.

Conditions:
Long QT syndrome (LQTS). Identifiers: MedGen C0023976, MeSH D008133, MONDO:0002442. Disease mechanism: loss of function. Inheritance: Various modes of inheritance.

Submissions (2):

Blueprint Genetics
Classification: Uncertain significance. Last evaluated: 2023-10-20. Review status: criteria provided, single submitter. Criteria: ACMG Guidelines, 2015. Collection method: clinical testing. Allele origin: germline.

Labcorp Genetics (formerly Invitae), Labcorp
Classification: Uncertain significance for Long QT syndrome. Last evaluated: 2017-06-22. Review status: criteria provided, single submitter. Criteria: Invitae Variant Classification Sherloc (09022015). Collection method: clinical testing. Allele origin: germline.
Comment: In summary, the available evidence is currently insufficient to determine the role of this variant in disease. Therefore, it has been classified as a Variant of Uncertain Significance. Algorithms developed to predict the effect of missense changes on protein structure and function do not agree on the potential impact of this missense change (SIFT: "Tolerated"; PolyPhen-2: "Probably Damaging"; Align-GVGD: "Class C0"). This variant has not been reported in the literature in individuals with CACNA1C-related disease. This variant is not present in population databases (ExAC no frequency). This sequence change replaces serine with glycine at codon 989 of the CACNA1C protein (p.Ser989Gly). The serine residue is moderately conserved and there is a small physicochemical difference between serine and glycine.